The following is an entry in ClinVar:

NM_058216.3(RAD51C):c.-1G>T

Gene: RAD51C (RAD51 paralog C; plus strand). Cytogenetic location: 17q22.
Variant type: single nucleotide variant.
Coding change: c.-1G>T on transcript NM_058216.3 (MANE Select); 1 bases upstream of the start codon, G replaced by T.
Molecular consequence: 5 prime UTR variant. On other transcripts: non-coding transcript variant (2).
Genome position (GRCh38, 1-based): chr17:58,692,643, G>T. VCF-style: chr17-58692643-G-T. GRCh37 (hg19) VCF-style: chr17-56770004-G-T.
Other names: c.-1G>T (NM_002876.4, NM_058217.1).
Identifiers: ClinVar variation 923945 (VCV000923945.9), dbSNP rs750045091, ClinGen allele CA8677115.

ClinVar aggregate classification (germline): Uncertain significance. Review status: criteria provided, multiple submitters, no conflicts (2 of 4 stars). 3 submissions from 3 submitters: Uncertain significance (3). Last evaluated 2024-11-22.

Conditions:
Hereditary cancer-predisposing syndrome. Also called: Neoplastic Syndromes, Hereditary; Tumor predisposition; Hereditary Cancer Syndrome; Hereditary neoplastic syndrome. Identifiers: Orphanet 140162, MedGen C0027672, MeSH D009386, MONDO:0015356.

Allele frequency attached by ClinVar (database versions not stated): gnomAD exomes 0.00001; ExAC 0.00002.
gnomAD v4.1: 13 of 1,614,146 alleles (0.00081%); highest among the groups gnomAD compares: Admixed American, 0.0017%; no homozygotes.

Submissions (3):

GeneDx
Classification: Uncertain significance. Last evaluated: 2024-11-22. Review status: criteria provided, single submitter. Criteria: GeneDx Variant Classification Process June 2021. Collection method: clinical testing. Allele origin: germline. Affected: yes.
Comment: Located in a regulatory region; in the absence of functional studies, the actual effect of this sequence change is unknown; Nucleotide is not conserved across species and the substitution has no predicted effect on splicing; Not observed at significant frequency in large population cohorts (gnomAD); Has not been previously published as pathogenic or benign to our knowledge

Ambry Genetics
Classification: Uncertain significance for Hereditary cancer-predisposing syndrome. Last evaluated: 2023-08-22. Review status: criteria provided, single submitter. Criteria: Ambry Variant Classification Scheme 2023. Collection method: clinical testing. Allele origin: germline.
Comment: The c.-1G>T variant is located in the 5' untranslated region (5&rsquo; UTR) of the RAD51C gene. This variant results from a G to T substitution 1 bases upstream from the first translated codon. Based on nucleotide sequence alignment, this position is l / highly conserved in available vertebrate species. Since supporting evidence is limited at this time, the clinical significance of this alteration remains unclear.

Color Diagnostics, LLC DBA Color Health
Classification: Uncertain significance for Hereditary cancer-predisposing syndrome. Last evaluated: 2022-10-10. Review status: criteria provided, single submitter. Criteria: ACMG Guidelines, 2015. Collection method: clinical testing. Allele origin: germline.
Comment: This variant is located one nucleotide upstream of the ATG start codon for the RAD51C gene, altering a position that is not conserved within the Kozak consensus sequence that functions as the protein translation initiation site. To our knowledge, functional studies have not been reported for this variant. This variant has not been reported in individuals affected with hereditary cancer in the literature. This variant has been identified in 2/251276 chromosomes in the general population by the Genome Aggregation Database (gnomAD). The available evidence is insufficient to determine the role of this variant in disease conclusively. Therefore, this variant is classified as a Variant of Uncertain Significance.